The following is an entry in ClinVar:

ClinVar aggregate classification (germline): Conflicting classifications of pathogenicity. Review status: criteria provided, conflicting classifications (1 of 4 stars). 4 submissions from 3 submitters: Uncertain significance (3); Benign (1). Last evaluated 2025-11-11.

Conditions:
Adams-Oliver syndrome 5 (AOS5). Identifiers: Orphanet 974, MedGen C4014970, MONDO:0014459, OMIM 616028.
Aortic valve disease 1 (AOVD1). Identifiers: MedGen C3887892, MONDO:0024523, OMIM 109730.

Allele frequency attached by ClinVar (database versions not stated): gnomAD exomes 0.00003 and 0.00007; ExAC 0.00007; TOPMed 0.00009; gnomAD 0.00011 and 0.00013.
gnomAD v4.1: 74 of 1,611,224 alleles (0.0046%); highest among the groups gnomAD compares: Admixed American, 0.027%; 1 homozygote.

Submissions (4):

Labcorp Genetics (formerly Invitae), Labcorp
Classification: Benign for Adams-Oliver syndrome 5. Last evaluated: 2025-11-11. Review status: criteria provided, single submitter. Criteria: Invitae Variant Classification Sherloc (09022015). Collection method: clinical testing. Allele origin: germline.

GeneDx
Classification: Uncertain significance. Last evaluated: 2025-05-08. Review status: criteria provided, single submitter. Criteria: GeneDx Variant Classification Process June 2021. Collection method: clinical testing. Allele origin: germline. Affected: yes.
Comment: Has not been previously published as pathogenic or benign to our knowledge; In silico analysis supports that this missense variant has a deleterious effect on protein structure/function

Genome-Nilou Lab
Classification: Uncertain significance for Adams-Oliver syndrome 5. Last evaluated: 2022-03-15. Review status: criteria provided, single submitter. Criteria: ACMG Guidelines, 2015. Collection method: clinical testing. Allele origin: germline. Affected: no.

Genome-Nilou Lab
Classification: Uncertain significance for Aortic valve disease 1. Last evaluated: 2022-03-15. Review status: criteria provided, single submitter. Criteria: ACMG Guidelines, 2015. Collection method: clinical testing. Allele origin: germline. Affected: no.

NM_017617.5(NOTCH1):c.1837C>T (p.Arg613Cys)

Gene: NOTCH1 (notch receptor 1; minus strand). Cytogenetic location: 9q34.3.
Variant type: single nucleotide variant.
Coding change: c.1837C>T on transcript NM_017617.5 (MANE Select); coding-DNA position 1837, C replaced by T.
Protein change: p.Arg613Cys; replaces arginine 613 with cysteine.
Molecular consequence: missense variant.
Genome position (GRCh38, 1-based): chr9:136,515,549, G>A on the plus strand (C>T on the coding strand, the complement: NOTCH1 is on the minus strand). VCF-style: chr9-136515549-G-A. GRCh37 (hg19) VCF-style: chr9-139410001-G-A.
Other names: c.1837C>T, p.Arg613Cys (LRG_1122t1); short protein forms R613C.
Identifiers: ClinVar variation 544175 (VCV000544175.17), dbSNP rs763988265, ClinGen allele CA5341621.